The following is an entry in ClinVar:

ClinVar aggregate classification (germline): Uncertain significance (1 of 4 stars; one submission).

Submission:

Women's Health and Genetics/Laboratory Corporation of America, LabCorp
Classification: Uncertain significance. Last evaluated: 2024-11-22. Review status: criteria provided, single submitter. Criteria: LabCorp Variant Classification Summary - May 2015. Collection method: clinical testing. Allele origin: germline.
Comment: Variant summary: ALKBH8 c.1438G>T (p.Glu480X) results in a premature termination codon, predicted to cause a truncation of the encoded protein or absence of the protein due to nonsense mediated decay, however current evidence is not sufficient to establish loss of function as a mechanism for disease. Several computational tools predict a significant impact on normal splicing: Three predict the variant creates a 3' acceptor site. Two predict the variant weakens a cryptic 3' acceptor site. However, these predictions have yet to be confirmed by functional studies. The variant was absent in 129120 control chromosomes. The available data on variant occurrences in the general population are insufficient to allow any conclusion about variant significance. To our knowledge, no occurrence of c.1438G>T in individuals affected with Intellectual Developmental Disorder, Autosomal Recessive 71 and no experimental evidence demonstrating its impact on protein function have been reported. No submitters have cited clinical-significance assessments for this variant to ClinVar. Based on the evidence outlined above, the variant was classified as uncertain significance.

NM_138775.3(ALKBH8):c.1438G>T (p.Glu480Ter)

Gene: ALKBH8 (alkB homolog 8, tRNA methyltransferase; minus strand). Cytogenetic location: 11q22.3.
Variant type: single nucleotide variant.
Coding change: c.1438G>T on transcript NM_138775.3 (MANE Select); coding-DNA position 1438, G replaced by T.
Protein change: p.Glu480Ter; replaces glutamic acid 480 with a stop codon.
Molecular consequence: nonsense. On other transcripts: non-coding transcript variant (6).
Genome position (GRCh38, 1-based): chr11:107,505,215, C>A on the plus strand (G>T on the coding strand, the complement: ALKBH8 is on the minus strand). VCF-style: chr11-107505215-C-A. GRCh37 (hg19) VCF-style: chr11-107375941-C-A.
Other names: c.1438G>T, p.Glu480Ter (NM_001301010.3); c.1288G>T, p.Glu430Ter (NM_001378133.1); short protein forms E430*, E480*.
Identifiers: ClinVar variation 3629917 (VCV003629917.1).